The following is an entry in ClinVar:

ClinVar aggregate classification (germline): Uncertain significance (1 of 4 stars; one submission).

Conditions:
BRCA2-related cancer predisposition. Identifiers: MedGen CN377758, MONDO:0700269.

Submission:

All of Us Research Program, National Institutes of Health
Classification: Uncertain significance for BRCA2-related cancer predisposition. Last evaluated: 2024-04-16. Review status: criteria provided, single submitter. Criteria: ACMG Guidelines, 2015. Collection method: clinical testing. Allele origin: germline. Inheritance: Autosomal dominant inheritance. Observed: 1 variant allele, 1 heterozygote.
Comment: This missense variant replaces glycine with arginine at codon 1215 of the BRCA2 protein. Computational prediction suggests that this variant may not impact protein structure and function (internally defined REVEL score threshold <= 0.5, PMID: 27666373). To our knowledge, functional studies have not been reported for this variant. This variant has not been reported in individuals affected with BRCA2-related disorders in the literature. This variant has not been identified in the general population by the Genome Aggregation Database (gnomAD). The available evidence is insufficient to determine the role of this variant in disease conclusively. Therefore, this variant is classified as a Variant of Uncertain Significance.

This study involves interpretation of variants in research participants for the purpose of population health screening. Participant phenotype was not available at the time of variant classification. Additional details can be found in publication PMID: 35346344, PMCID: PMC8962531

NM_000059.4(BRCA2):c.3643G>C (p.Gly1215Arg)

Gene: BRCA2 (BRCA2 DNA repair associated; plus strand). Cytogenetic location: 13q13.1.
Variant type: single nucleotide variant.
Coding change: c.3643G>C on transcript NM_000059.4 (MANE Select); coding-DNA position 3643, G replaced by C.
Protein change: p.Gly1215Arg; replaces glycine 1215 with arginine.
Molecular consequence: missense variant. On other transcripts: non-coding transcript variant (1), intron variant (2).
Genome position (GRCh38, 1-based): chr13:32,337,998, G>C. VCF-style: chr13-32337998-G-C. GRCh37 (hg19) VCF-style: chr13-32912135-G-C.
Other names: c.3643G>C, p.Gly1215Arg (NM_001406719.1, NM_001406720.1, NM_001432077.1); c.1909+4611G>C (NM_001406721.1); c.425-6560G>C (NM_001406722.1); short protein forms G1215R.
Identifiers: ClinVar variation 3386242 (VCV003386242.1).